The following is an entry in ClinVar:

ClinVar aggregate classification (germline): Uncertain significance. Review status: criteria provided, multiple submitters, no conflicts (2 of 4 stars). 4 submissions from 4 submitters: Uncertain significance (2). 2 of the submissions do not count toward it. Last evaluated 2022-08-08.

Conditions:
Nephronophthisis. Also called: Juvenile Nephronophthisis. Identifiers: Orphanet 655, MedGen C0687120, MONDO:0019005, HP:0000090.
Meckel-Gruber syndrome. Also called: DYSENCEPHALIA SPLANCHNOCYSTICA; GRUBER SYNDROME; Dysencephalia splachnocystica. Identifiers: Orphanet 564, MedGen C0265215, MONDO:0018921.
Joubert syndrome. Also called: JOUBERT-BOLTSHAUSER SYNDROME; Familial aplasia of the vermis. Identifiers: Orphanet 475, MedGen C5979921, MONDO:0018772.
Leber congenital amaurosis (LCA). Also called: Leber's amaurosis. Identifiers: Orphanet 65, MedGen C0339527, MeSH D057130, MONDO:0018998.
CEP290-related disorder. Also called: CEP290-related condition; CEP290-related disorders. Identifiers: MedGen CN239314.

Allele frequency attached by ClinVar (database versions not stated): gnomAD 0.00001 and 0.00002; gnomAD exomes 0.00001 and 0.00004; TOPMed 0.00001.
gnomAD v4.1: 11 of 1,569,450 alleles (0.0007%); highest among the groups gnomAD compares: Admixed American, 0.017%; no homozygotes.

Submissions (4):

Labcorp Genetics (formerly Invitae), Labcorp
Classification: Uncertain significance for Joubert syndrome; Meckel-Gruber syndrome; Nephronophthisis. Last evaluated: 2022-08-08. Review status: criteria provided, single submitter. Criteria: Invitae Variant Classification Sherloc (09022015). Collection method: clinical testing. Allele origin: germline.
Comment: This sequence change replaces methionine, which is neutral and non-polar, with isoleucine, which is neutral and non-polar, at codon 559 of the CEP290 protein (p.Met559Ile). This variant is present in population databases (no rsID available, gnomAD 0.03%). This variant has not been reported in the literature in individuals affected with CEP290-related conditions. ClinVar contains an entry for this variant (Variation ID: 991677). Algorithms developed to predict the effect of missense changes on protein structure and function (SIFT, PolyPhen-2, Align-GVGD) all suggest that this variant is likely to be tolerated. In summary, the available evidence is currently insufficient to determine the role of this variant in disease. Therefore, it has been classified as a Variant of Uncertain Significance.

Blueprint Genetics
Classification: Uncertain significance. Last evaluated: 2022-05-06. Review status: criteria provided, single submitter. Criteria: ACMG Guidelines, 2015. Collection method: clinical testing. Allele origin: germline.

PreventionGenetics, part of Exact Sciences
Classification: Uncertain significance for CEP290-related condition. Last evaluated: 2024-09-20. Review status: no assertion criteria provided. Collection method: clinical testing. Allele origin: germline. Not counted in ClinVar's aggregate classification.
Comment: The CEP290 c.1677G>C variant is predicted to result in the amino acid substitution p.Met559Ile. To our knowledge, this variant has not been reported in the literature. This variant is reported in 0.029% of alleles in individuals of Latino descent in gnomAD. At this time, the clinical significance of this variant is uncertain due to the absence of conclusive functional and genetic evidence.

Natera, Inc.
Classification: Uncertain significance for Leber congenital amaurosis. Last evaluated: 2020-04-17. Review status: no assertion criteria provided. Collection method: clinical testing. Allele origin: germline. Not counted in ClinVar's aggregate classification.

NM_025114.4(CEP290):c.1677G>C (p.Met559Ile)

Gene: CEP290 (centrosomal protein 290; minus strand). Cytogenetic location: 12q21.32.
Variant type: single nucleotide variant.
Coding change: c.1677G>C on transcript NM_025114.4 (MANE Select); coding-DNA position 1677, G replaced by C.
Protein change: p.Met559Ile; replaces methionine 559 with isoleucine.
Molecular consequence: missense variant.
Genome position (GRCh38, 1-based): chr12:88,118,517, C>G on the plus strand (G>C on the coding strand, the complement: CEP290 is on the minus strand). VCF-style: chr12-88118517-C-G. GRCh37 (hg19) VCF-style: chr12-88512294-C-G.
Other names: c.1677G>C (NM_025114.3); short protein forms M559I.
Identifiers: ClinVar variation 991677 (VCV000991677.5), dbSNP rs1000099371, ClinGen allele CA241150963.